The following is an entry in ClinVar:

ClinVar aggregate classification (germline): Uncertain significance (1 of 4 stars; one submission).

Conditions:
Monogenic diabetes. Identifiers: Orphanet 183625, MedGen C3888631, MONDO:0015967.

Allele frequency attached by ClinVar (database versions not stated): gnomAD 0.00001; gnomAD exomes 0.00001 and 0.00002; TOPMed 0.00001.
gnomAD v4.1: 13 of 1,561,068 alleles (0.00083%); highest among the groups gnomAD compares: Non-Finnish European, 0.000086%; no homozygotes.

Submission:

Personalized Diabetes Medicine Program, University of Maryland School of Medicine
Classification: Uncertain significance for Monogenic diabetes. Last evaluated: 2018-01-02. Review status: criteria provided, single submitter. Criteria: ACMG Guidelines, 2015. Collection method: research. Allele origin: unknown. Observed: 1 variant allele, 1 heterozygote.
Comment: ACMG criteria: PP3 (3 predictors), BP4 (5 predictors)=VUS

NM_006412.4(AGPAT2):c.29C>G (p.Ala10Gly)

Gene: AGPAT2 (1-acylglycerol-3-phosphate O-acyltransferase 2; minus strand). Cytogenetic location: 9q34.3.
Variant type: single nucleotide variant.
Coding change: c.29C>G on transcript NM_006412.4 (MANE Select); coding-DNA position 29, C replaced by G.
Protein change: p.Ala10Gly; replaces alanine 10 with glycine.
Molecular consequence: missense variant.
Genome position (GRCh38, 1-based): chr9:136,687,329, G>C on the plus strand (C>G on the coding strand, the complement: AGPAT2 is on the minus strand). VCF-style: chr9-136687329-G-C. GRCh37 (hg19) VCF-style: chr9-139581781-G-C.
Other names: c.29C>G, p.Ala10Gly (NM_001012727.2); short protein forms A10G.
Identifiers: ClinVar variation 917425 (VCV000917425.2), dbSNP rs1284278396, ClinGen allele CA375588437.
Genomic context (GRCh38, chr9:136,687,329, plus strand): 5'-ACCTTGGCGTAGAACTCGGCCGCGCGGCTCAGCTGCACCAGCAGCAGCAGCAACAGCAGC[G>C]CCGCGGCCAGACACGGCCACAGCTCCATGGCCCGGCCCGGCGCCCGACGGCGCCGCCAGC-3'
Protein context (NP_006403.2, residues 1-20): MELWPCLAA[Ala10Gly]LLLLLLLVQL